The following is an entry in ClinVar:

NM_000153.4(GALC):c.64_79dup (p.Ala27fs)

Gene: GALC (galactosylceramidase; minus strand). Cytogenetic location: 14q31.3.
Variant type: Duplication.
Coding change: c.64_79dup on transcript NM_000153.4 (MANE Select); coding-DNA positions 64 to 79, 16 bases duplicated (GGTTCGGCGGGCCGCG).
Protein change: p.Ala27fs; shifts the reading frame from alanine 27.
Molecular consequence: frameshift variant. On other transcripts: 5 prime UTR variant (3), non-coding transcript variant (1), intron variant (2).
Genome position (GRCh38, 1-based): chr14:87,993,086-87,993,101, CGCGGCCCGCCGAACC duplicated on the plus strand (GGTTCGGCGGGCCGCG on the coding strand, the reverse complement: GALC is on the minus strand); duplicating any 16 consecutive bases within chr14:87,993,086-87,993,108 gives the same sequence; the c. name uses the placement nearest the transcript's 3' end. VCF-style (leftmost placement, unchanged base first): chr14-87993085-G-GCGCGGCCCGCCGAACC. GRCh37 (hg19) VCF-style: chr14-88459429-G-GCGCGGCCCGCCGAACC.
Other names: c.64_79dup, p.Ala27fs (NM_001201401.2); c.-207_-192dup (NM_001424072.1); c.-373_-358dup (NM_001424075.1); c.-604_-589dup (NM_001424077.1); c.-473+282_-473+297dup (NM_001424076.1); c.117+282_117+297dup (NM_001201402.2); short protein forms A27fs.
Identifiers: ClinVar variation 4728070 (VCV004728070.1).

ClinVar aggregate classification (germline): Pathogenic (1 of 4 stars; one submission).

Conditions:
Galactosylceramide beta-galactosidase deficiency. Also called: Krabbe Disease; GALACTOCEREBROSIDASE DEFICIENCY; GALC DEFICIENCY; GLOBOID CELL LEUKOENCEPHALOPATHY; Leukodystrophy, Globoid Cell. Identifiers: Orphanet 487, MedGen C0023521, MONDO:0009499, OMIM 245200.

Submission:

Labcorp Genetics (formerly Invitae), Labcorp
Classification: Pathogenic for Galactosylceramide beta-galactosidase deficiency. Last evaluated: 2025-09-29. Review status: criteria provided, single submitter. Criteria: Invitae Variant Classification Sherloc (09022015). Collection method: clinical testing. Allele origin: germline.
Comment: This sequence change creates a premature translational stop signal (p.Ala27Glyfs*67) in the GALC gene. It is expected to result in an absent or disrupted protein product. Loss-of-function variants in GALC are known to be pathogenic (PMID: 7437911, 9272171, 16607461). This variant is not present in population databases (gnomAD no frequency). This variant has not been reported in the literature in individuals affected with GALC-related conditions. For these reasons, this variant has been classified as Pathogenic.

Literature cited by the submitters: PubMed 7437911; PubMed 9272171; PubMed 16607461.